The following is an entry in ClinVar:

NM_001849.4(COL6A2):c.821G>A (p.Gly274Asp)

Gene: COL6A2 (collagen type VI alpha 2 chain; plus strand). Cytogenetic location: 21q22.3.
Variant type: single nucleotide variant.
Coding change: c.821G>A on transcript NM_001849.4 (MANE Select); coding-DNA position 821, G replaced by A.
Protein change: p.Gly274Asp; replaces glycine 274 with aspartic acid.
Molecular consequence: missense variant.
Genome position (GRCh38, 1-based): chr21:46,115,891, G>A. VCF-style: chr21-46115891-G-A. GRCh37 (hg19) VCF-style: chr21-47535805-G-A.
Other names: c.821G>A, p.Gly274Asp (NM_058174.3, NM_058175.3); short protein forms G274D.
Identifiers: ClinVar variation 1348005 (VCV001348005.8), dbSNP rs2123625569, ClinGen allele CA410524723.
Genomic context (GRCh38, chr21:46,115,891, plus strand): 5'-CACCCTACCCTGCCTCGATGTACTCTTTTCTCTGCTTTTAGGGTGCCAAGGGCAACATGG[G>A]TGAGCCGGGAGAGCCTGGCCAGAAGGGAAGACAGGTGAGTGTCCTTGCCCCACGCCCGCC-3'
Protein context (NP_001840.3, residues 264-284): RGQKGAKGNM[Gly274Asp]EPGEPGQKGR

ClinVar aggregate classification (germline): Pathogenic (1 of 4 stars; one submission).

Conditions:
Bethlem myopathy 1A. Also called: MYOPATHY, BENIGN CONGENITAL, WITH CONTRACTURES; Bethlem Muscular Dystrophy; Bethlem myopathy 1. Identifiers: Orphanet 610, MedGen CN029274, MONDO:0024530, OMIM 158810.

Submission:

Labcorp Genetics (formerly Invitae), Labcorp
Classification: Pathogenic for Bethlem myopathy 1A. Last evaluated: 2023-12-06. Review status: criteria provided, single submitter. Criteria: Invitae Variant Classification Sherloc (09022015). Collection method: clinical testing. Allele origin: germline.
Comment: This sequence change replaces glycine, which is neutral and non-polar, with aspartic acid, which is acidic and polar, at codon 274 of the COL6A2 protein (p.Gly274Asp). This variant is not present in population databases (gnomAD no frequency). This missense change has been observed in individual(s) with clinical features of autosomal dominant COL6A2-related conditions (PMID: 34167565; Invitae). In at least one individual the variant was observed to be de novo. ClinVar contains an entry for this variant (Variation ID: 1348005). Advanced modeling of protein sequence and biophysical properties (such as structural, functional, and spatial information, amino acid conservation, physicochemical variation, residue mobility, and thermodynamic stability) performed at Invitae indicates that this missense variant is expected to disrupt COL6A2 protein function with a positive predictive value of 80%. This variant disrupts the triple helix domain of COL6A2. Glycine residues within the Gly-Xaa-Yaa repeats of the triple helix domain are required for the structure and stability of fibrillar collagens (PMID: 7695699, 8218237, 19344236). In COL6A2, missense variants at these glycine residues are significantly enriched in individuals with autosomal dominant disease (PMID: 15689448, 24038877) compared to the general population (ExAC). For these reasons, this variant has been classified as Pathogenic.

Literature cited by the submitters: PubMed 34167565; PubMed 7695699; PubMed 8218237; PubMed 19344236; PubMed 15689448; PubMed 24038877.